The following is an entry in ClinVar:

ClinVar aggregate classification (germline): Likely pathogenic (1 of 4 stars; one submission).

Submission:

Labcorp Genetics (formerly Invitae), Labcorp
Classification: Likely pathogenic. Last evaluated: 2025-01-05. Review status: criteria provided, single submitter. Criteria: Invitae Variant Classification Sherloc (09022015). Collection method: clinical testing. Allele origin: germline.
Comment: This sequence change affects an acceptor splice site in intron 11 of the MYO7A gene. It is expected to disrupt RNA splicing. Variants that disrupt the donor or acceptor splice site typically lead to a loss of protein function (PMID: 16199547), and loss-of-function variants in MYO7A are known to be pathogenic (PMID: 8900236, 25404053). This variant is not present in population databases (gnomAD no frequency). This variant has not been reported in the literature in individuals affected with MYO7A-related conditions. Algorithms developed to predict the effect of sequence changes on RNA splicing suggest that this variant may disrupt the consensus splice site. In summary, the currently available evidence indicates that the variant is pathogenic, but additional data are needed to prove that conclusively. Therefore, this variant has been classified as Likely Pathogenic.

Literature cited by the submitters: PubMed 16199547; PubMed 8900236; PubMed 25404053.

NM_000260.4(MYO7A):c.1201-1G>A

Gene: MYO7A (myosin VIIA; plus strand). Cytogenetic location: 11q13.5.
Variant type: single nucleotide variant.
Coding change: c.1201-1G>A on transcript NM_000260.4 (MANE Select); the canonical splice acceptor site of the intron before coding-DNA position 1201, G replaced by A.
Molecular consequence: splice acceptor variant.
Genome position (GRCh38, 1-based): chr11:77,160,972, G>A. VCF-style: chr11-77160972-G-A. GRCh37 (hg19) VCF-style: chr11-76872018-G-A.
Other names: c.1168-1G>A (NM_001369365.1); c.1201-1G>A (NM_001127180.2).
Identifiers: ClinVar variation 3728519 (VCV003728519.2).
Genomic context (GRCh38, chr11:77,160,972, plus strand): 5'-GCCTGGCCTGTCCCCCGGGGGAGGGTGTGGCTGGTGCCAGTGGCTGATCACTGCCTTTCA[G>A]GGGATCTACGGGCGGCTGTTCGTGTGGATTGTGGACAAGATCAACGCAGCAATTTACAAG-3'